The following is an entry in ClinVar:

ClinVar aggregate classification (germline): Pathogenic/Likely pathogenic. Review status: criteria provided, multiple submitters, no conflicts (2 of 4 stars). 5 submissions from 5 submitters: Pathogenic (4); Likely pathogenic (1). Last evaluated 2026-06-29.

Conditions:
Bardet-Biedl syndrome 2 (BBS2). Identifiers: Orphanet 110, MedGen C2936863, MONDO:0014432, OMIM 615981.
BBS2-related disorder. Also called: BBS2-related disorders; BBS2-related condition. Identifiers: MedGen CN239228.
Bardet-Biedl syndrome (BBS). Identifiers: Orphanet 110, MedGen C0752166, MONDO:0015229.

Allele frequency attached by ClinVar (database versions not stated): gnomAD exomes below 0.00001; TOPMed below 0.00001.

Submissions (5):

PreventionGenetics, part of Exact Sciences
Classification: Pathogenic for BBS2-related condition. Last evaluated: 2026-06-29. Review status: criteria provided, single submitter. Criteria: ACMG Guidelines, 2015. Collection method: clinical testing. Allele origin: germline.
Comment: The BBS2 c.1206dupA variant is predicted to result in a frameshift and premature protein termination (p.Arg403Thrfs*6). This variant has been reported in the homozygous state in an individual with Bardet-Biedl syndrome (Nishimura et al. 2001. PubMed ID: 11285252). Another loss of function change within the same exon (p.His384Serfs*34) has been reported in an individual affected with Bardet-Biedl syndrome (Table S2, Hu et al. 2018. PubMed ID: 29095814). This variant has not been reported in a large population database (gnomAD), indicating this variant is rare. Frameshift variants in BBS2 are expected to be pathogenic. This variant is interpreted as pathogenic.

GeneDx
Classification: Pathogenic. Last evaluated: 2025-04-22. Review status: criteria provided, single submitter. Criteria: GeneDx Variant Classification Process June 2021. Collection method: clinical testing. Allele origin: germline. Affected: yes.
Comment: Frameshift variant predicted to result in protein truncation or nonsense mediated decay in a gene for which loss of function is a known mechanism of disease; Not observed at significant frequency in large population cohorts (gnomAD); This variant is associated with the following publications: (PMID: 11285252)

Baylor Genetics
Classification: Pathogenic for Bardet-Biedl syndrome 2. Last evaluated: 2024-03-10. Review status: criteria provided, single submitter. Criteria: ACMG Guidelines, 2015. Collection method: clinical testing. Allele origin: unknown.

Labcorp Genetics (formerly Invitae), Labcorp
Classification: Pathogenic for Bardet-Biedl syndrome. Last evaluated: 2023-10-14. Review status: criteria provided, single submitter. Criteria: Invitae Variant Classification Sherloc (09022015). Collection method: clinical testing. Allele origin: germline.
Comment: This sequence change creates a premature translational stop signal (p.Arg403Thrfs*6) in the BBS2 gene. It is expected to result in an absent or disrupted protein product. Loss-of-function variants in BBS2 are known to be pathogenic (PMID: 11285252, 20177705, 24608809, 26518167). This variant is not present in population databases (gnomAD no frequency). This premature translational stop signal has been observed in individual(s) with BBS2-related conditions (PMID: 11285252). This variant is also known as 1206insA. ClinVar contains an entry for this variant (Variation ID: 928684). Algorithms developed to predict the effect of sequence changes on RNA splicing suggest that this variant may disrupt the consensus splice site. For these reasons, this variant has been classified as Pathogenic.

Women's Health and Genetics/Laboratory Corporation of America, LabCorp
Classification: Likely pathogenic for Bardet-Biedl syndrome. Last evaluated: 2019-06-14. Review status: criteria provided, single submitter. Criteria: LabCorp Variant Classification Summary - May 2015. Collection method: clinical testing. Allele origin: germline.
Comment: Variant summary: BBS2 c.1206dupA (p.Arg403ThrfsX6) results in a premature termination codon, predicted to cause a truncation of the encoded protein or absence of the protein due to nonsense mediated decay, which are commonly known mechanisms for disease. The variant was absent in 251492 control chromosomes (gnomAD). c.1206dupA has been reported in the literature in a homozygous individual affected with Bardet-Biedl Syndrome (Nishimura_2001). These data indicate that the variant may be associated with disease. To our knowledge, no experimental evidence demonstrating an impact on protein function has been reported. No clinical diagnostic laboratories have submitted clinical-significance assessments for this variant to ClinVar after 2014. Based on the evidence outlined above, the variant was classified as likely pathogenic.

Literature cited by the submitters: PubMed 11285252 (cited by Labcorp Genetics (formerly Invitae), Labcorp and Women's Health and Genetics/Laboratory Corporation of America, LabCorp); PubMed 20177705 (cited by Labcorp Genetics (formerly Invitae), Labcorp); PubMed 24608809 (cited by Labcorp Genetics (formerly Invitae), Labcorp); PubMed 26518167 (cited by Labcorp Genetics (formerly Invitae), Labcorp); PubMed 21463199 (cited by Women's Health and Genetics/Laboratory Corporation of America, LabCorp); PubMed 25541840 (cited by Women's Health and Genetics/Laboratory Corporation of America, LabCorp); PubMed 11886943 (cited by Women's Health and Genetics/Laboratory Corporation of America, LabCorp).

NM_031885.5(BBS2):c.1206dup (p.Arg403fs)

Gene: BBS2 (Bardet-Biedl syndrome 2; minus strand). Cytogenetic location: 16q13.
Variant type: Duplication.
Coding change: c.1206dup on transcript NM_031885.5 (MANE Select); coding-DNA position 1206, one base duplicated (A; older notation c.1206dupA).
Protein change: p.Arg403fs; shifts the reading frame from arginine 403.
Molecular consequence: frameshift variant. On other transcripts: non-coding transcript variant (5).
Genome position (GRCh38, 1-based): chr16:56,501,372, T duplicated on the plus strand (A on the coding strand, the reverse complement: BBS2 is on the minus strand). VCF-style (leftmost placement, unchanged base first): chr16-56501371-G-GT. GRCh37 (hg19) VCF-style: chr16-56535283-G-GT.
Other names: c.1206dup, p.Arg403fs (NM_001377456.1); c.1206dupA (NM_031885.3); short protein forms R403fs.
Identifiers: ClinVar variation 928684 (VCV000928684.9), dbSNP rs1964267396, ClinGen allele CA1139664712.